The following is an entry in ClinVar:

ClinVar aggregate classification (germline): Uncertain significance (1 of 4 stars; one submission).

Conditions:
Insulin-dependent diabetes mellitus secretory diarrhea syndrome (IPEX). Also called: Immune dysregulation-polyendocrinopathy-enteropathy-X-linked syndrome; IMMUNODEFICIENCY, POLYENDOCRINOPATHY, AND ENTEROPATHY, X-LINKED; DIABETES MELLITUS, CONGENITAL INSULIN-DEPENDENT, WITH FATAL SECRETORY DIARRHEA; DIARRHEA, POLYENDOCRINOPATHY, FATAL INFECTION SYNDROME, X-LINKED; ENTEROPATHY, AUTOIMMUNE, WITH HEMOLYTIC ANEMIA AND POLYENDOCRINOPATHY; Immunodysregulation, polyendocrinopathy, and enteropathy, X-linked. Identifiers: Orphanet 37042, MedGen C0342288, MONDO:0010580, OMIM 304790. Disease mechanism: loss of function.

Submission:

Labcorp Genetics (formerly Invitae), Labcorp
Classification: Uncertain significance for Insulin-dependent diabetes mellitus secretory diarrhea syndrome. Last evaluated: 2021-05-19. Review status: criteria provided, single submitter. Criteria: Invitae Variant Classification Sherloc (09022015). Collection method: clinical testing. Allele origin: germline.
Comment: In summary, the available evidence is currently insufficient to determine the role of this variant in disease. Therefore, it has been classified as a Variant of Uncertain Significance. Algorithms developed to predict the effect of missense changes on protein structure and function are either unavailable or do not agree on the potential impact of this missense change (SIFT: "Tolerated"; PolyPhen-2: "Probably Damaging"; Align-GVGD: "Class C0"). This variant has not been reported in the literature in individuals with FOXP3-related conditions. This variant is not present in population databases (ExAC no frequency). This sequence change replaces glutamic acid with aspartic acid at codon 164 of the FOXP3 protein (p.Glu164Asp). The glutamic acid residue is moderately conserved and there is a small physicochemical difference between glutamic acid and aspartic acid.

NM_014009.4(FOXP3):c.492G>C (p.Glu164Asp)

Gene: FOXP3 (forkhead box P3; minus strand). Cytogenetic location: Xp11.23.
Variant type: single nucleotide variant.
Coding change: c.492G>C on transcript NM_014009.4 (MANE Select); coding-DNA position 492, G replaced by C.
Protein change: p.Glu164Asp; replaces glutamic acid 164 with aspartic acid.
Molecular consequence: missense variant.
Genome position (GRCh38, 1-based): chrX:49,256,975, C>G on the plus strand (G>C on the coding strand, the complement: FOXP3 is on the minus strand). VCF-style: chrX-49256975-C-G. GRCh37 (hg19) VCF-style: chrX-49113432-C-G.
Other names: c.387G>C, p.Glu129Asp (NM_001114377.2); short protein forms E129D, E164D.
Identifiers: ClinVar variation 1396662 (VCV001396662.8), dbSNP rs2147948631, ClinGen allele CA412952500.